The following is an entry in ClinVar:

NM_001040142.2(SCN2A):c.1385C>A (p.Ala462Glu)

Gene: SCN2A (sodium voltage-gated channel alpha subunit 2; plus strand). Cytogenetic location: 2q24.3.
Variant type: single nucleotide variant.
Coding change: c.1385C>A on transcript NM_001040142.2 (MANE Select); coding-DNA position 1385, C replaced by A.
Protein change: p.Ala462Glu; replaces alanine 462 with glutamic acid.
Molecular consequence: missense variant.
Genome position (GRCh38, 1-based): chr2:165,315,472, C>A. VCF-style: chr2-165315472-C-A. GRCh37 (hg19) VCF-style: chr2-166171982-C-A.
Other names: c.1385C>A, p.Ala462Glu (NM_001040143.2, NM_001371246.1, NM_001371247.1 and 1 more transcripts); short protein forms A462E.
Identifiers: ClinVar variation 2636978 (VCV002636978.4), dbSNP rs769825203, ClinGen allele CA349022634.

ClinVar aggregate classification (germline): Uncertain significance. Review status: criteria provided, multiple submitters, no conflicts (2 of 4 stars). 2 submissions from 2 submitters: Uncertain significance (2). Last evaluated 2024-09-30.

Conditions:
Developmental and epileptic encephalopathy, 11 (DEE11). Also called: Early infantile epileptic encephalopathy 11. Identifiers: Orphanet 1934, MedGen C3150987, MONDO:0013388, OMIM 613721.
Seizures, benign familial infantile, 3 (BFIS3). Also called: CONVULSIONS, BENIGN FAMILIAL INFANTILE, 3; Familial neonatal seizures. Identifiers: Orphanet 140927, Orphanet 306, MedGen C1843140, MONDO:0011904, OMIM 607745.
SCN2A-related disorder. Also called: SCN2A-related condition; SCN2A-related disorders. Identifiers: MedGen CN382226, MONDO:1060245.

gnomAD v4.1: 1 of 1,613,756 alleles (0.000062%); no homozygotes.

Submissions (2):

Labcorp Genetics (formerly Invitae), Labcorp
Classification: Uncertain significance for Seizures, benign familial infantile, 3; Developmental and epileptic encephalopathy, 11. Last evaluated: 2024-09-30. Review status: criteria provided, single submitter. Criteria: Invitae Variant Classification Sherloc (09022015). Collection method: clinical testing. Allele origin: germline.
Comment: This sequence change replaces alanine, which is neutral and non-polar, with glutamic acid, which is acidic and polar, at codon 462 of the SCN2A protein (p.Ala462Glu). This variant is present in population databases (no rsID available, gnomAD 0.0009%). This variant has not been reported in the literature in individuals affected with SCN2A-related conditions. ClinVar contains an entry for this variant (Variation ID: 2636978). An algorithm developed to predict the effect of missense changes on protein structure and function (PolyPhen-2) suggests that this variant is likely to be tolerated. In summary, the available evidence is currently insufficient to determine the role of this variant in disease. Therefore, it has been classified as a Variant of Uncertain Significance.

PreventionGenetics, part of Exact Sciences
Classification: Uncertain significance for SCN2A-related condition. Last evaluated: 2022-10-19. Review status: criteria provided, single submitter. Criteria: ACMG Guidelines, 2015. Collection method: clinical testing. Allele origin: germline.
Comment: The SCN2A c.1385C>A variant is predicted to result in the amino acid substitution p.Ala462Glu. To our knowledge, this variant has not been reported in the literature. This variant is reported in 0.00090% of alleles in individuals of European (Non-Finnish) descent in gnomAD. At this time, the clinical significance of this variant is uncertain due to the absence of conclusive functional and genetic evidence.